The following is an entry in ClinVar:

ClinVar aggregate classification (germline): Conflicting classifications of pathogenicity. Review status: criteria provided, conflicting classifications (1 of 4 stars). 6 submissions from 6 submitters: Uncertain significance (3); Likely benign (1). 2 of the submissions do not count toward it. Last evaluated 2024-09-25.

Conditions:
COACH syndrome 3. Identifiers: MedGen C5436841, MONDO:0030862, OMIM 619113.
Meckel syndrome, type 5 (MKS5). Identifiers: Orphanet 564, MedGen C1969052, MONDO:0012695, OMIM 611561.
Joubert syndrome 7 (JBTS7). Identifiers: Orphanet 220497, MedGen C1969053, MONDO:0012694, OMIM 611560.
Joubert syndrome. Also called: JOUBERT-BOLTSHAUSER SYNDROME; Familial aplasia of the vermis. Identifiers: Orphanet 475, MedGen C5979921, MONDO:0018772.
Meckel-Gruber syndrome. Also called: Dysencephalia splachnocystica; GRUBER SYNDROME; DYSENCEPHALIA SPLANCHNOCYSTICA. Identifiers: Orphanet 564, MedGen C0265215, MONDO:0018921.
RPGRIP1L-related disorder. Also called: RPGRIP1L-related condition; RPGRIP1L-related disorders. Identifiers: MedGen CN239416.

Allele frequency attached by ClinVar (database versions not stated): TOPMed 0.00004; gnomAD 0.00006 and 0.00011; 1000 Genomes Project 30x 0.00016; ExAC 0.00018; 1000 Genomes Project 0.00020.

Submissions (6):

Blueprint Genetics
Classification: Likely benign. Last evaluated: 2024-09-25. Review status: criteria provided, single submitter. Criteria: ACMG Guidelines, 2015. Collection method: clinical testing. Allele origin: germline.

Fulgent Genetics
Classification: Uncertain significance for Joubert syndrome 7; Meckel syndrome, type 5; COACH syndrome 3. Last evaluated: 2024-03-04. Review status: criteria provided, single submitter. Criteria: ACMG Guidelines, 2015. Collection method: clinical testing. Allele origin: germline.

GeneDx
Classification: Uncertain significance. Last evaluated: 2023-07-31. Review status: criteria provided, single submitter. Criteria: GeneDx Variant Classification Process June 2021. Collection method: clinical testing. Allele origin: germline. Affected: yes.
Comment: Identified as heterozygous with another RPGRIP1L variant on the same allele (in cis) in a patient with Meckel-Gruber syndrome (Szymanska et al., 2012); In silico analysis supports that this missense variant has a deleterious effect on protein structure/function; This variant is associated with the following publications: (PMID: 34426522, 23351400)

Labcorp Genetics (formerly Invitae), Labcorp
Classification: Uncertain significance for Joubert syndrome; Meckel-Gruber syndrome. Last evaluated: 2022-10-28. Review status: criteria provided, single submitter. Criteria: Invitae Variant Classification Sherloc (09022015). Collection method: clinical testing. Allele origin: germline.
Comment: This sequence change replaces arginine, which is basic and polar, with cysteine, which is neutral and slightly polar, at codon 156 of the RPGRIP1L protein (p.Arg156Cys). This variant is present in population databases (rs527539036, gnomAD 0.1%). This variant has not been reported in the literature in individuals affected with RPGRIP1L-related conditions. ClinVar contains an entry for this variant (Variation ID: 863702). Advanced modeling of protein sequence and biophysical properties (such as structural, functional, and spatial information, amino acid conservation, physicochemical variation, residue mobility, and thermodynamic stability) performed at Invitae indicates that this missense variant is expected to disrupt RPGRIP1L protein function. In summary, the available evidence is currently insufficient to determine the role of this variant in disease. Therefore, it has been classified as a Variant of Uncertain Significance.

PreventionGenetics, part of Exact Sciences
Classification: Uncertain significance for RPGRIP1L-related condition. Last evaluated: 2024-07-17. Review status: no assertion criteria provided. Collection method: clinical testing. Allele origin: germline. Not counted in ClinVar's aggregate classification.
Comment: The RPGRIP1L c.466C>T variant is predicted to result in the amino acid substitution p.Arg156Cys. This variant was reported in the heterozygous state without a second potentially causative variant in two patients with features of Meckel syndrome consisting of occipital encephalocele and polycystic kidneys (Szymanska et al. 2012. PubMed ID: 23351400). This variant is reported in 0.14% of alleles in individuals of South Asian descent in gnomAD, which is higher than expected for a pathogenic variant in this gene. At this time, the clinical significance of this variant is uncertain due to the absence of conclusive functional and genetic evidence.

Natera, Inc.
Classification: Uncertain significance for Joubert syndrome. Last evaluated: 2020-09-16. Review status: no assertion criteria provided. Collection method: clinical testing. Allele origin: germline. Not counted in ClinVar's aggregate classification.

NM_015272.5(RPGRIP1L):c.466C>T (p.Arg156Cys)

Gene: RPGRIP1L (RPGRIP1 like; minus strand). Cytogenetic location: 16q12.2.
Variant type: single nucleotide variant.
Coding change: c.466C>T on transcript NM_015272.5 (MANE Select); coding-DNA position 466, C replaced by T.
Protein change: p.Arg156Cys; replaces arginine 156 with cysteine.
Molecular consequence: missense variant.
Genome position (GRCh38, 1-based): chr16:53,692,129, G>A on the plus strand (C>T on the coding strand, the complement: RPGRIP1L is on the minus strand). VCF-style: chr16-53692129-G-A. GRCh37 (hg19) VCF-style: chr16-53726041-G-A.
Other names: c.466C>T, p.Arg156Cys (NM_001127897.4, NM_001308334.3, NM_001330538.2); c.466C>T (NM_015272.4); short protein forms R156C.
Identifiers: ClinVar variation 863702 (VCV000863702.10), dbSNP rs527539036, ClinGen allele CA8058117.